The following is an entry in ClinVar:

ClinVar aggregate classification (germline): Uncertain significance. Review status: criteria provided, multiple submitters, no conflicts (2 of 4 stars). 2 submissions from 2 submitters: Uncertain significance (2). Last evaluated 2022-09-07.

Conditions:
Marfan syndrome (MFS). Also called: MARFAN SYNDROME, TYPE I; FBN1-Related Marfan Syndrome; Marfan syndrome type 1; Marfan's syndrome; Marfan syndrome, classic. Identifiers: Orphanet 284963, Orphanet 558, MedGen C0024796, MONDO:0007947, OMIM 154700.
Familial thoracic aortic aneurysm and aortic dissection (TAAD). Also called: Thoracic aortic aneurysms and dissections. Identifiers: Orphanet 91387, MedGen C4707243, MONDO:0019625.

Allele frequency attached by ClinVar (database versions not stated): gnomAD exomes below 0.00001.
gnomAD v4.1: 1 of 1,614,184 alleles (0.000062%); highest among the groups gnomAD compares: Non-Finnish European, 0.000085%; no homozygotes.

Submissions (2):

Labcorp Genetics (formerly Invitae), Labcorp
Classification: Uncertain significance for Marfan syndrome; Familial thoracic aortic aneurysm and aortic dissection. Last evaluated: 2022-09-07. Review status: criteria provided, single submitter. Criteria: Invitae Variant Classification Sherloc (09022015). Collection method: clinical testing. Allele origin: germline.
Comment: In summary, the available evidence is currently insufficient to determine the role of this variant in disease. Therefore, it has been classified as a Variant of Uncertain Significance. Advanced modeling of protein sequence and biophysical properties (such as structural, functional, and spatial information, amino acid conservation, physicochemical variation, residue mobility, and thermodynamic stability) performed at Invitae indicates that this missense variant is expected to disrupt FBN1 protein function. ClinVar contains an entry for this variant (Variation ID: 495568). This missense change has been observed in individual(s) with clinical features of FBN1-related conditions (Invitae). This variant is not present in population databases (gnomAD no frequency). This sequence change replaces histidine, which is basic and polar, with arginine, which is basic and polar, at codon 656 of the FBN1 protein (p.His656Arg).

Women's Health and Genetics/Laboratory Corporation of America, LabCorp
Classification: Uncertain significance. Last evaluated: 2016-03-01. Review status: criteria provided, single submitter. Criteria: LabCorp Variant Classification Summary - May 2015. Collection method: clinical testing. Allele origin: germline.

NM_000138.5(FBN1):c.1967A>G (p.His656Arg)

Gene: FBN1 (fibrillin 1; minus strand). Cytogenetic location: 15q21.1.
Variant type: single nucleotide variant.
Coding change: c.1967A>G on transcript NM_000138.5 (MANE Select); coding-DNA position 1967, A replaced by G.
Protein change: p.His656Arg; replaces histidine 656 with arginine.
Molecular consequence: missense variant.
Genome position (GRCh38, 1-based): chr15:48,503,933, T>C on the plus strand (A>G on the coding strand, the complement: FBN1 is on the minus strand). VCF-style: chr15-48503933-T-C. GRCh37 (hg19) VCF-style: chr15-48796130-T-C.
Other names: short protein forms H656R.
Identifiers: ClinVar variation 495568 (VCV000495568.9), dbSNP rs1555399777, ClinGen allele CA392338875.